The following is an entry in ClinVar:

NM_001199107.2(TBC1D24):c.447C>T (p.Ala149=)

Gene: TBC1D24 (TBC1 domain family member 24; plus strand). Cytogenetic location: 16p13.3.
Variant type: single nucleotide variant.
Coding change: c.447C>T on transcript NM_001199107.2 (MANE Select); coding-DNA position 447, C replaced by T.
Protein change: p.Ala149=; no amino-acid change (alanine 149 retained).
Molecular consequence: synonymous variant.
Genome position (GRCh38, 1-based): chr16:2,496,595, C>T. VCF-style: chr16-2496595-C-T. GRCh37 (hg19) VCF-style: chr16-2546596-C-T.
Other names: c.447C>T, p.Ala149= (NM_020705.3).
Identifiers: ClinVar variation 448644 (VCV000448644.24), dbSNP rs755794991, ClinGen allele CA7844005.

ClinVar aggregate classification (germline): Likely benign. Review status: criteria provided, multiple submitters, no conflicts (2 of 4 stars). 7 submissions from 7 submitters: Likely benign (6). 1 of the submissions does not count toward it. Last evaluated 2026-09-01.

Conditions:
TBC1D24-related disorder. Also called: TBC1D24-related condition; TBC1D24-related disorders. Identifiers: MedGen CN381194.
Inborn genetic diseases. Identifiers: MedGen C0950123, MeSH D030342.
Developmental and epileptic encephalopathy, 1 (DEE1). Also called: X-linked infantile spasms; West's syndrome; Tonic spasms with clustering, arrest of psychomotor development and hypsarrhythmia on EEG; X-Linked Infantile Spasm Syndrome; Epileptic encephalopathy, early infantile, 1; INFANTILE SPASM SYNDROME, X-LINKED 1. Identifiers: MedGen C3463992, MONDO:0010632, OMIM 308350. Disease mechanism: loss of function.
Autosomal dominant nonsyndromic hearing loss 65. Also called: Deafness, autosomal dominant 65; TBC1D24-Related Autosomal Dominant Nonsyndromic Hearing Loss (DFNA). Identifiers: Orphanet 90635, MedGen C3892048, MONDO:0014470, OMIM 616044.

Allele frequency attached by ClinVar (database versions not stated): gnomAD exomes 0.00004 and 0.00006; TOPMed 0.00007; gnomAD 0.00010 and 0.00011; ExAC 0.00003.
gnomAD v4.1: 107 of 1,609,804 alleles (0.0066%); highest among the groups gnomAD compares: Admixed American, 0.0083%; no homozygotes.

Submissions (7):

CeGaT Center for Human Genetics Tuebingen
Classification: Likely benign. Last evaluated: 2026-09-01. Review status: criteria provided, single submitter. Criteria: CeGaT Center For Human Genetics Tuebingen Variant Classification Criteria Version 2. Collection method: clinical testing. Allele origin: germline. Affected: yes. Observed: 1 variant allele.
Comment: TBC1D24: BP4, BP7

Labcorp Genetics (formerly Invitae), Labcorp
Classification: Likely benign for Developmental and epileptic encephalopathy, 1; Autosomal dominant nonsyndromic hearing loss 65. Last evaluated: 2025-09-02. Review status: criteria provided, single submitter. Criteria: Invitae Variant Classification Sherloc (09022015). Collection method: clinical testing. Allele origin: germline.

Ambry Genetics
Classification: Likely benign for Inborn genetic diseases. Last evaluated: 2024-12-16. Review status: criteria provided, single submitter. Criteria: Ambry Variant Classification Scheme 2023. Collection method: clinical testing. Allele origin: germline.

Blueprint Genetics
Classification: Likely benign. Last evaluated: 2024-11-25. Review status: criteria provided, single submitter. Criteria: ACMG Guidelines, 2015. Collection method: clinical testing. Allele origin: germline.

GeneDx
Classification: Likely benign. Last evaluated: 2021-06-25. Review status: criteria provided, single submitter. Criteria: GeneDx Variant Classification Process June 2021. Collection method: clinical testing. Allele origin: germline. Affected: yes.
Comment: This variant is associated with the following publications: (PMID: 27535533)

Athena Diagnostics
Classification: Likely benign. Last evaluated: 2017-06-09. Review status: criteria provided, single submitter. Criteria: Athena Diagnostics Criteria. Collection method: clinical testing. Allele origin: germline.

PreventionGenetics, part of Exact Sciences
Classification: Likely benign for TBC1D24-related condition. Last evaluated: 2023-04-25. Review status: no assertion criteria provided. Collection method: clinical testing. Allele origin: germline. Not counted in ClinVar's aggregate classification.
Comment: This variant is classified as likely benign based on ACMG/AMP sequence variant interpretation guidelines (Richards et al. 2015 PMID: 25741868, with internal and published modifications).